The following is an entry in ClinVar:

ClinVar aggregate classification (germline): Likely benign (0 of 4 stars; one submission).

Conditions:
NUMA1-related disorder. Also called: NUMA1-related condition.

Allele frequency attached by ClinVar (database versions not stated): gnomAD exomes below 0.00001.
gnomAD v4.1: 1 of 1,614,014 alleles (0.000062%); highest among the groups gnomAD compares: Non-Finnish European, 0.000085%; no homozygotes.

Submission:

PreventionGenetics, part of Exact Sciences
Classification: Likely benign for NUMA1-related condition. Last evaluated: 2021-10-13. Review status: no assertion criteria provided. Collection method: clinical testing. Allele origin: germline.
Comment: This variant is classified as likely benign based on ACMG/AMP sequence variant interpretation guidelines (Richards et al. 2015 PMID: 25741868, with internal and published modifications).

NM_006185.4(NUMA1):c.18C>T (p.Thr6=)

Gene: NUMA1 (nuclear mitotic apparatus protein 1; minus strand). Cytogenetic location: 11q13.4.
Variant type: single nucleotide variant.
Coding change: c.18C>T on transcript NM_006185.4 (MANE Select); coding-DNA position 18, C replaced by T.
Protein change: p.Thr6=; no amino-acid change (threonine 6 retained).
Molecular consequence: synonymous variant. On other transcripts: non-coding transcript variant (1).
Genome position (GRCh38, 1-based): chr11:72,035,926, G>A on the plus strand (C>T on the coding strand, the complement: NUMA1 is on the minus strand). VCF-style: chr11-72035926-G-A. GRCh37 (hg19) VCF-style: chr11-71746972-G-A.
Other names: c.18C>T, p.Thr6= (NM_001286561.2).
Identifiers: ClinVar variation 3031246 (VCV003031246.2), dbSNP rs1940972280, ClinGen allele CA475578616.